The following is an entry in ClinVar:

NM_000094.4(COL7A1):c.6146G>A (p.Gly2049Glu)

Gene: COL7A1 (collagen type VII alpha 1 chain; minus strand). Cytogenetic location: 3p21.31.
Variant type: single nucleotide variant.
Coding change: c.6146G>A on transcript NM_000094.4 (MANE Select); coding-DNA position 6146, G replaced by A.
Protein change: p.Gly2049Glu; replaces glycine 2049 with glutamic acid.
Molecular consequence: missense variant.
Genome position (GRCh38, 1-based): chr3:48,575,373, C>T on the plus strand (G>A on the coding strand, the complement: COL7A1 is on the minus strand). VCF-style: chr3-48575373-C-T. GRCh37 (hg19) VCF-style: chr3-48612806-C-T.
Other names: c.6146G>A (NM_000094.3); short protein forms G2049E.
Identifiers: ClinVar variation 1047980 (VCV001047980.5), dbSNP rs1410793870, ClinGen allele CA352662972.
Genomic context (GRCh38, chr3:48,575,373, plus strand): 5'-CTCTCCTGGCCAGCCCCCAGCCTCACCCTCTCTCCTGGCCTTCCTGCCTCTCCCACACCC[C>T]CAGCCCTGCCTGGGAGCCCGGGAATACCAGGCTTTCCAGGCTCCCCGGCAAGGCCGGAAG-3'
Protein context (NP_000085.1, residues 2039-2059): PGIPGLPGRA[Gly2049Glu]GVGEAGRPGE

ClinVar aggregate classification (germline): Pathogenic/Likely pathogenic. Review status: criteria provided, multiple submitters, no conflicts (2 of 4 stars). 3 submissions from 3 submitters: Pathogenic (2); Likely pathogenic (1). Last evaluated 2022-09-23.

Conditions:
Recessive dystrophic epidermolysis bullosa (RDEB). Also called: severe generalized recessive dystrophic epidermolysis bullosa; EPIDERMOLYSIS BULLOSA DYSTROPHICA, GENERALIZED SEVERE, AUTOSOMAL RECESSIVE; DYSTROPHIC EPIDERMOLYSIS BULLOSA, AUTOSOMAL RECESSIVE; EPIDERMOLYSIS BULLOSA DYSTROPHICA, HALLOPEAU-SIEMENS TYPE; Epidermolysis Bullosa Distrophica Autosomal Recessive (RDEB); epidermolysis bullosa dystrophica, autosomal recessive. Identifiers: Orphanet 79408, Orphanet 79409, MedGen C0079474, MONDO:0009179, OMIM 226600.
Epidermolysis bullosa dystrophica. Also called: Dystrophic epidermolysis bullosa, Hallopeau-Siemens type (formerly); Dystrophic epidermolysis bullosa. Identifiers: Orphanet 303, MedGen C0079294, MONDO:0006543.

Allele frequency attached by ClinVar (database versions not stated): gnomAD exomes below 0.00001.
gnomAD v4.1: 1 of 1,612,208 alleles (0.000062%); highest among the groups gnomAD compares: Non-Finnish European, 0.000085%; no homozygotes.

Submissions (3):

Labcorp Genetics (formerly Invitae), Labcorp
Classification: Pathogenic. Last evaluated: 2022-09-23. Review status: criteria provided, single submitter. Criteria: Invitae Variant Classification Sherloc (09022015). Collection method: clinical testing. Allele origin: germline.
Comment: This missense change has been observed in individual(s) with autosomal recessive dystrophic epidermolysis bullosa (PMID: 9326325). Experimental studies have shown that this missense change affects COL7A1 function (PMID: 18450758). This variant disrupts the triple helix domain of COL7A1. Glycine residues within the Gly-Xaa-Yaa repeats of the triple helix domain are required for the structure and stability of fibrillar collagens (PMID: 7695699, 8218237, 19344236), and variants at these glycine residues in COL7A1 are more frequently observed in individuals with disease than in the general population (PMID: 22058051). However, the clinical significance of this observation remains uncertain since only a limited number of affected individuals have been described to date. For these reasons, this variant has been classified as Pathogenic. This sequence change replaces glycine, which is neutral and non-polar, with glutamic acid, which is acidic and polar, at codon 2049 of the COL7A1 protein (p.Gly2049Glu). This variant is not present in population databases (gnomAD no frequency). ClinVar contains an entry for this variant (Variation ID: 1047980). Advanced modeling of protein sequence and biophysical properties (such as structural, functional, and spatial information, amino acid conservation, physicochemical variation, residue mobility, and thermodynamic stability) performed at Invitae indicates that this missense variant is expected to disrupt COL7A1 protein function.

Biomedical Innovation Departament, CIEMAT
Classification: Pathogenic for Dystrophic epidermolysis bullosa. Last evaluated: 2017-11-14. Review status: criteria provided, single submitter. Criteria: ACMG Guidelines, 2015. Collection method: research. Allele origin: germline. Affected: yes. Observed: 1 variant allele.

Neuberg Centre For Genomic Medicine, NCGM
Classification: Likely pathogenic for Recessive dystrophic epidermolysis bullosa. Review status: criteria provided, single submitter. Criteria: ACMG Guidelines, 2015. Collection method: clinical testing. Allele origin: germline. Inheritance: Autosomal recessive inheritance. Affected: yes.
Comment: The missense variant p.G2049E in COL7A1 (NM_000094.4) has been previously reported in an individual affected with Recessive Dystrophic Epidermolysis Bullosa (Hovnanian et al, 1997). The p.G2049E variant is novel (not in any individuals) in gnomAD Exomes and is novel (not in any individuals) in 1000 Genomes. There is a moderate physicochemical difference between glycine and glutamic acid. The p.G2049E missense variant is predicted to be damaging by both SIFT and PolyPhen2. The glycine residue at codon 2049 of COL7A1 is conserved in all mammalian species. The nucleotide c.6146 in COL7A1 is predicted conserved by GERP++ and PhyloP across 100 vertebrates. The variant is predicted to be damaging by both SIFT and PolyPhen2. For these reasons, this variant has been classified as Likely Pathogenic.

Literature cited by the submitters: PubMed 9326325 (cited by Labcorp Genetics (formerly Invitae), Labcorp and Biomedical Innovation Departament, CIEMAT); PubMed 18450758 (cited by Labcorp Genetics (formerly Invitae), Labcorp); PubMed 7695699 (cited by Labcorp Genetics (formerly Invitae), Labcorp); PubMed 8218237 (cited by Labcorp Genetics (formerly Invitae), Labcorp); PubMed 19344236 (cited by Labcorp Genetics (formerly Invitae), Labcorp); PubMed 22058051 (cited by Labcorp Genetics (formerly Invitae), Labcorp).